The following is an entry in ClinVar:

ClinVar aggregate classification (germline): Pathogenic (1 of 4 stars; one submission).

Conditions:
Marfan syndrome (MFS). Also called: Marfan syndrome type 1; Marfan's syndrome; FBN1-Related Marfan Syndrome; MARFAN SYNDROME, TYPE I; Marfan syndrome, classic. Identifiers: Orphanet 284963, Orphanet 558, MedGen C0024796, MONDO:0007947, OMIM 154700.
Familial thoracic aortic aneurysm and aortic dissection (TAAD). Also called: Thoracic aortic aneurysms and dissections. Identifiers: Orphanet 91387, MedGen C4707243, MONDO:0019625.

Submission:

Labcorp Genetics (formerly Invitae), Labcorp
Classification: Pathogenic for Marfan syndrome; Familial thoracic aortic aneurysm and aortic dissection. Last evaluated: 2021-04-26. Review status: criteria provided, single submitter. Criteria: Invitae Variant Classification Sherloc (09022015). Collection method: clinical testing. Allele origin: germline.
Comment: For these reasons, this variant has been classified as Pathogenic. This variant has not been reported in the literature in individuals with FBN1-related conditions. This variant is not present in population databases (ExAC no frequency). This sequence change creates a premature translational stop signal (p.Met1106Ilefs*2) in the FBN1 gene. It is expected to result in an absent or disrupted protein product. Loss-of-function variants in FBN1 are known to be pathogenic (PMID: 17657824, 19293843).

Literature cited by the submitters: PubMed 17657824; PubMed 19293843.

NM_000138.5(FBN1):c.3318del (p.Met1106fs)

Gene: FBN1 (fibrillin 1; minus strand). Cytogenetic location: 15q21.1.
Variant type: Deletion.
Coding change: c.3318del on transcript NM_000138.5 (MANE Select); coding-DNA position 3318, one base deleted (G; older notation c.3318delG).
Protein change: p.Met1106fs; shifts the reading frame from methionine 1106.
Molecular consequence: frameshift variant.
Genome position (GRCh38, 1-based): chr15:48,488,132, C deleted on the plus strand (G on the coding strand, the reverse complement: FBN1 is on the minus strand). VCF-style (leftmost placement, unchanged base first): chr15-48488131-TC-T. GRCh37 (hg19) VCF-style: chr15-48780328-TC-T.
Other names: short protein forms M1106fs.
Identifiers: ClinVar variation 1394157 (VCV001394157.6), dbSNP rs2141294624, ClinGen allele CA2573150838.
Genomic context (GRCh38, chr15:48,488,131, plus strand): 5'-AATCCTTCTCTTTCTGTGTTGATCAAATGATCCCAAACTTACCCATGCAGTTCTTCATCA[TC>T]ATGAATCCACTTTCATAGCCTTCGTCACACTTGCATTCAAAGTCCCCAGGGGTGTTCACA-3'